The following is an entry in ClinVar:

NM_001352027.3(PHF21A):c.1956C>G (p.Pro652=)

Gene: PHF21A (PHD finger protein 21A; minus strand). Cytogenetic location: 11p11.2.
Variant type: single nucleotide variant.
Coding change: c.1956C>G on transcript NM_001352027.3 (MANE Select); coding-DNA position 1956, C replaced by G.
Protein change: p.Pro652=; no amino-acid change (proline 652 retained).
Molecular consequence: synonymous variant. On other transcripts: non-coding transcript variant (2).
Genome position (GRCh38, 1-based): chr11:45,934,058, G>C on the plus strand (C>G on the coding strand, the complement: PHF21A is on the minus strand). VCF-style: chr11-45934058-G-C. GRCh37 (hg19) VCF-style: chr11-45955609-G-C.
Other names: c.1953C>G, p.Pro651= (NM_001101802.3); c.1956C>G, p.Pro652= (NM_001352025.3, NM_001352026.3); c.1815C>G, p.Pro605= (NM_001352028.1, NM_001352029.1, NM_016621.5); c.1812C>G, p.Pro604= (NM_001352030.3, NM_001352031.3, NM_001352032.3).
Identifiers: ClinVar variation 3686062 (VCV003686062.3).

ClinVar aggregate classification (germline): Likely benign. Review status: criteria provided, multiple submitters, no conflicts (2 of 4 stars). 2 submissions from 2 submitters: Likely benign (2). Last evaluated 2026-08-01.

gnomAD v4.1: 4 of 1,613,998 alleles (0.00025%); highest among the groups gnomAD compares: Non-Finnish European, 0.00017%; no homozygotes.

Submissions (2):

CeGaT Center for Human Genetics Tuebingen
Classification: Likely benign. Last evaluated: 2026-08-01. Review status: criteria provided, single submitter. Criteria: CeGaT Center For Human Genetics Tuebingen Variant Classification Criteria Version 2. Collection method: clinical testing. Allele origin: germline. Affected: yes. Observed: 1 variant allele.
Comment: PHF21A: BP4

Labcorp Genetics (formerly Invitae), Labcorp
Classification: Likely benign. Last evaluated: 2026-02-03. Review status: criteria provided, single submitter. Criteria: Invitae Variant Classification Sherloc (09022015). Collection method: clinical testing. Allele origin: germline.